The following is an entry in ClinVar:

ClinVar aggregate classification (germline): Uncertain significance (1 of 4 stars; one submission).

Conditions:
Charcot-Marie-Tooth disease type 4. Also called: Charcot-Marie-Tooth, Type 4; Charcot-Marie-Tooth disease, type IV. Identifiers: Orphanet 64749, MedGen C4082197, MONDO:0018995.

Allele frequency attached by ClinVar (database versions not stated): gnomAD exomes below 0.00001; gnomAD 0.00001.
gnomAD v4.1: 3 of 1,385,632 alleles (0.00022%); highest among the groups gnomAD compares: African/African-American, 0.0015%; no homozygotes.

Submission:

Labcorp Genetics (formerly Invitae), Labcorp
Classification: Uncertain significance for Charcot-Marie-Tooth disease type 4. Last evaluated: 2019-10-29. Review status: criteria provided, single submitter. Criteria: Invitae Variant Classification Sherloc (09022015). Collection method: clinical testing. Allele origin: germline.
Comment: In summary, the available evidence is currently insufficient to determine the role of this variant in disease. Therefore, it has been classified as a Variant of Uncertain Significance. Algorithms developed to predict the effect of missense changes on protein structure and function (SIFT, PolyPhen-2, Align-GVGD) all suggest that this variant is likely to be tolerated, but these predictions have not been confirmed by published functional studies and their clinical significance is uncertain. This variant has not been reported in the literature in individuals with SBF2-related conditions. The frequency data for this variant in the population databases is considered unreliable, as metrics indicate insufficient coverage at this position in the ExAC database. This sequence change replaces arginine with glutamine at codon 3 of the SBF2 protein (p.Arg3Gln). The arginine residue is moderately conserved and there is a small physicochemical difference between arginine and glutamine.

NM_030962.4(SBF2):c.8G>A (p.Arg3Gln)

Genes: SBF2 (SET binding factor 2; minus strand), LOC130005303 (ATAC-STARR-seq lymphoblastoid silent region 3141; plus strand). Cytogenetic location: 11p15.4.
Variant type: single nucleotide variant.
Coding change: c.8G>A on transcript NM_030962.4 (MANE Select); coding-DNA position 8, G replaced by A.
Protein change: p.Arg3Gln; replaces arginine 3 with glutamine.
Molecular consequence: missense variant.
Genome position (GRCh38, 1-based): chr11:10,294,062, C>T on the plus strand (G>A on the coding strand, the complement: SBF2 is on the minus strand). VCF-style: chr11-10294062-C-T. GRCh37 (hg19) VCF-style: chr11-10315609-C-T.
Other names: c.8G>A, p.Arg3Gln (NM_001386339.1, NM_001386342.1); short protein forms R3Q.
Identifiers: ClinVar variation 967409 (VCV000967409.10), dbSNP rs1964355306, ClinGen allele CA379851655.